The following is an entry in ClinVar:

NM_005609.4(PYGM):c.345+18C>A

Gene: PYGM (glycogen phosphorylase, muscle associated; minus strand). Cytogenetic location: 11q13.1.
Variant type: single nucleotide variant.
Coding change: c.345+18C>A on transcript NM_005609.4 (MANE Select); 18 bases into the intron after coding-DNA position 345, C replaced by A.
Molecular consequence: intron variant.
Genome position (GRCh38, 1-based): chr11:64,758,585, G>T on the plus strand (C>A on the coding strand, the complement: PYGM is on the minus strand). VCF-style: chr11-64758585-G-T. GRCh37 (hg19) VCF-style: chr11-64526057-G-T.
Other names: c.244-319C>A (NM_001164716.1).
Identifiers: ClinVar variation 682545 (VCV000682545.1), dbSNP rs763866615, ClinGen allele CA6080299.
Genomic context (GRCh38, chr11:64,758,585, plus strand): 5'-TGAGGGTGACAGTGGTCAGGGTCAAGTGTCAGCAGTGGAATCCCCCAGTCCCCACGGCTT[G>T]CCCCACCCCACACACACCTGGTAGGTGGCCTCGTCACAGGCATTCTCTAAGGCCAGGTTC-3'

ClinVar aggregate classification (germline): Likely benign (1 of 4 stars; one submission).

Allele frequency attached by ClinVar (database versions not stated): gnomAD 0.00002; TOPMed 0.00002; gnomAD exomes 0.00003 and 0.00004; ExAC 0.00012.

Submission:

GeneDx
Classification: Likely benign. Last evaluated: 2018-05-15. Review status: criteria provided, single submitter. Criteria: GeneDx Variant Classification (06012015). Collection method: clinical testing. Allele origin: germline. Affected: yes.
Comment: This variant is considered likely benign or benign based on one or more of the following criteria: it is a conservative change, it occurs at a poorly conserved position in the protein, it is predicted to be benign by multiple in silico algorithms, and/or has population frequency not consistent with disease.